The following is an entry in ClinVar:

ClinVar aggregate classification (germline): Pathogenic. Review status: criteria provided, multiple submitters, no conflicts (2 of 4 stars). 3 submissions from 3 submitters: Pathogenic (2). 1 of the submissions does not count toward it. Last evaluated 2024-05-08.

Conditions:
Developmental and epileptic encephalopathy, 9 (DEE9). Also called: JUBERG-HELLMAN SYNDROME; PCDH19-Related X-Linked Female-Limited Epilepsy with Mental Retardation; Early infantile epileptic encephalopathy 9; EPILEPSY, FEMALE-RESTRICTED, WITH MENTAL RETARDATION. Identifiers: Orphanet 101039, Orphanet 2076, MedGen C1848137, MONDO:0010246, OMIM 300088. Disease mechanism: loss of function.
Focal-onset seizure. Also called: Focal seizures. Identifiers: MedGen C0751495, HP:0007359.

Submissions (3):

Labcorp Genetics (formerly Invitae), Labcorp
Classification: Pathogenic for Developmental and epileptic encephalopathy, 9. Last evaluated: 2024-05-08. Review status: criteria provided, single submitter. Criteria: Invitae Variant Classification Sherloc (09022015). Collection method: clinical testing. Allele origin: germline.
Comment: This sequence change replaces aspartic acid, which is acidic and polar, with histidine, which is basic and polar, at codon 155 of the PCDH19 protein (p.Asp155His). This variant is not present in population databases (gnomAD no frequency). This missense change has been observed in individual(s) with clinical features of PCDH19-related conditions (PMID: 29377098; Invitae). In at least one individual the variant was observed to be de novo. ClinVar contains an entry for this variant (Variation ID: 996747). Advanced modeling of protein sequence and biophysical properties (such as structural, functional, and spatial information, amino acid conservation, physicochemical variation, residue mobility, and thermodynamic stability) performed at Invitae indicates that this missense variant is expected to disrupt PCDH19 protein function with a positive predictive value of 95%. This variant disrupts the p.Asp155 amino acid residue in PCDH19. Other variant(s) that disrupt this residue have been observed in individuals with PCDH19-related conditions (PMID: 29377098), which suggests that this may be a clinically significant amino acid residue. For these reasons, this variant has been classified as Pathogenic.

Pediatrics, MediClubGeorgia
Classification: Pathogenic for Developmental and epileptic encephalopathy, 9. Last evaluated: 2021-02-16. Review status: criteria provided, single submitter. Criteria: ACMG Guidelines, 2015. Collection method: clinical testing. Allele origin: de novo. Inheritance: X-linked inheritance. Affected: yes. Observed: 1 variant allele, 1 heterozygote.
Comment: This variant is absent in population databases. Submitted on Clinvar as pathogenic. (RCV000641136.1) The aspartic acid residue is highly conserved and there is a moderate physicochemical difference between aspartic acid and histidine. SIFT - deleterious, PolyPhen - probably damaging, MutationAssessor - High, MutationTaster - Disease causing. Parents were also tested - the variant wasn't detected.

Cytogénomique, Hospices Civils de Lyon
Classification: Pathogenic for Focal-onset seizure. Review status: no assertion criteria provided. Collection method: clinical testing. Allele origin: de novo. Inheritance: Somatic mutation. Affected: yes. Not counted in ClinVar's aggregate classification.

Literature cited by the submitters: PubMed 29377098 (cited by Labcorp Genetics (formerly Invitae), Labcorp); DOI 10.1111/epi.14003 (cited by Pediatrics, MediClubGeorgia).

NM_001184880.2(PCDH19):c.463G>C (p.Asp155His)

Gene: PCDH19 (protocadherin 19; minus strand). Cytogenetic location: Xq22.1.
Variant type: single nucleotide variant.
Coding change: c.463G>C on transcript NM_001184880.2 (MANE Select); coding-DNA position 463, G replaced by C.
Protein change: p.Asp155His; replaces aspartic acid 155 with histidine.
Molecular consequence: missense variant.
Genome position (GRCh38, 1-based): chrX:100,408,135, C>G on the plus strand (G>C on the coding strand, the complement: PCDH19 is on the minus strand). VCF-style: chrX-100408135-C-G. GRCh37 (hg19) VCF-style: chrX-99663133-C-G.
Other names: c.463G>C, p.Asp155His (NM_001105243.2, NM_020766.3); short protein forms D155H.
Identifiers: ClinVar variation 996747 (VCV000996747.11), dbSNP rs796052800, ClinGen allele CA414009592.
Genomic context (GRCh38, chrX:100,408,135, plus strand): 5'-CGAACAGCTCGTTGGGCGTGAGCTCGTAAGTCTGCACGCCAAAGCTTCCTGAGTCTGGAT[C>G]GTAAGCGCTGTCCAGCGGGATGCGCGTGCCAGGGCTGGCTGCCTCCGAGATCTCCAGCTC-3'
Protein context (NP_001171809.1, residues 145-165): GTRIPLDSAY[Asp155His]PDSGSFGVQT